The following is an entry in ClinVar:

NM_024757.5(EHMT1):c.3770G>A (p.Arg1257His)

Gene: EHMT1 (euchromatic histone lysine methyltransferase 1; plus strand). Cytogenetic location: 9q34.3.
Variant type: single nucleotide variant.
Coding change: c.3770G>A on transcript NM_024757.5 (MANE Select); coding-DNA position 3770, G replaced by A.
Protein change: p.Arg1257His; replaces arginine 1257 with histidine.
Molecular consequence: missense variant.
Genome position (GRCh38, 1-based): chr9:137,834,826, G>A. VCF-style: chr9-137834826-G-A. GRCh37 (hg19) VCF-style: chr9-140729278-G-A.
Other names: c.3749G>A, p.Arg1250His (NM_001354263.2); short protein forms R1250H, R1257H.
Identifiers: ClinVar variation 2981679 (VCV002981679.3), dbSNP rs2539005543, ClinGen allele CA375783166.
Genomic context (GRCh38, chr9:137,834,826, plus strand): 5'-TCCCCAGGTTTGACTATGGAGAGCGCTTCTGGGACATCAAAGGCAAGCTCTTCAGCTGCC[G>A]CTGCGGCTCCCCCAAGTGCCGGCACTCGAGCGCGGCCCTGGCCCAGCGTCAGGCCAGCGC-3'
Protein context (NP_079033.4, residues 1247-1267): WDIKGKLFSC[Arg1257His]CGSPKCRHSS

ClinVar aggregate classification (germline): Uncertain significance (1 of 4 stars; one submission).

Conditions:
Kleefstra syndrome 1 (KLEFS1). Identifiers: Orphanet 261494, MedGen C0795833, MONDO:0027407, OMIM 610253.

gnomAD v4.1: 5 of 1,612,672 alleles (0.00031%); highest among the groups gnomAD compares: Non-Finnish European, 0.00034%; no homozygotes.

Submission:

Labcorp Genetics (formerly Invitae), Labcorp
Classification: Uncertain significance for Kleefstra syndrome 1. Last evaluated: 2022-11-11. Review status: criteria provided, single submitter. Criteria: Invitae Variant Classification Sherloc (09022015). Collection method: clinical testing. Allele origin: germline.
Comment: This variant has not been reported in the literature in individuals affected with EHMT1-related conditions. This sequence change replaces arginine, which is basic and polar, with histidine, which is basic and polar, at codon 1257 of the EHMT1 protein (p.Arg1257His). This variant is not present in population databases (gnomAD no frequency). Advanced modeling of protein sequence and biophysical properties (such as structural, functional, and spatial information, amino acid conservation, physicochemical variation, residue mobility, and thermodynamic stability) performed at Invitae indicates that this missense variant is not expected to disrupt EHMT1 protein function. In summary, the available evidence is currently insufficient to determine the role of this variant in disease. Therefore, it has been classified as a Variant of Uncertain Significance.